The following is an entry in ClinVar:

NM_001379451.1(BCORL1):c.4609G>C (p.Ala1537Pro)

Gene: BCORL1 (BCL6 corepressor like 1; plus strand). Cytogenetic location: Xq26.1.
Variant type: single nucleotide variant.
Coding change: c.4609G>C on transcript NM_001379451.1 (MANE Select); coding-DNA position 4609, G replaced by C.
Protein change: p.Ala1537Pro; replaces alanine 1537 with proline.
Molecular consequence: missense variant.
Genome position (GRCh38, 1-based): chrX:130,037,448, G>C. VCF-style: chrX-130037448-G-C. GRCh37 (hg19) VCF-style: chrX-129171423-G-C.
Other names: c.4609G>C, p.Ala1537Pro (NM_001184772.3, NM_001379450.1); c.4387G>C, p.Ala1463Pro (NM_021946.5); short protein forms A1463P, A1537P.
Identifiers: ClinVar variation 3363388 (VCV003363388.2).
Genomic context (GRCh38, chrX:130,037,448, plus strand): 5'-CAGAAAGACAGTGAAGATGTGAATCACCGTGACAATGCTGGCTACACAGCCCTGCATGAG[G>C]CTTGTTCCCGGGGCTGGACCGACATCCTGAACATCCTGCTGGAGCACGGGGCCAACGTGA-3'
Protein context (NP_001366380.1, residues 1527-1547): DNAGYTALHE[Ala1537Pro]CSRGWTDILN

ClinVar aggregate classification (germline): Uncertain significance (1 of 4 stars; one submission).

Submission:

GeneDx
Classification: Uncertain significance. Last evaluated: 2026-10-05. Review status: criteria provided, single submitter. Criteria: GeneDx Variant Classification Process June 2021. Collection method: clinical testing. Allele origin: germline.
Comment: Has not been previously published as pathogenic or benign to our knowledge; Not observed at significant frequency in large population cohorts (gnomAD); In silico analysis supports that this missense variant has a deleterious effect on protein structure/function